The following is an entry in ClinVar:

NM_004415.4(DSP):c.5586T>G (p.Asn1862Lys)

Gene: DSP (desmoplakin; plus strand). Cytogenetic location: 6p24.3.
Variant type: single nucleotide variant.
Coding change: c.5586T>G on transcript NM_004415.4 (MANE Select); coding-DNA position 5586, T replaced by G.
Protein change: p.Asn1862Lys; replaces asparagine 1862 with lysine.
Molecular consequence: missense variant.
Genome position (GRCh38, 1-based): chr6:7,582,848, T>G. VCF-style: chr6-7582848-T-G. GRCh37 (hg19) VCF-style: chr6-7583081-T-G.
Other names: c.3789T>G, p.Asn1263Lys (NM_001008844.3); c.4257T>G, p.Asn1419Lys (NM_001319034.2); short protein forms N1263K, N1419K, N1862K.
Identifiers: ClinVar variation 4757497 (VCV004757497.1).

ClinVar aggregate classification (germline): Uncertain significance (1 of 4 stars; one submission).

Conditions:
Cardiomyopathy (CMYO). Also called: Cardiomyopathies. Identifiers: Orphanet 167848, MedGen C0878544, MONDO:0004994, HP:0001638. Inheritance: Various modes of inheritance.

gnomAD v4.1: 4 of 1,614,016 alleles (0.00025%); highest among the groups gnomAD compares: South Asian, 0.0044%; no homozygotes.

Submission:

Color Diagnostics, LLC DBA Color Health
Classification: Uncertain significance for Cardiomyopathy. Last evaluated: 2025-07-07. Review status: criteria provided, single submitter. Criteria: ACMG Guidelines, 2015. Collection method: clinical testing. Allele origin: germline.
Comment: This missense variant replaces asparagine with lysine at codon 1862 of the DSP protein. Computational prediction suggests that this variant may not impact protein structure and function. To our knowledge, functional studies have not been reported for this variant. This variant has not been reported in individuals affected with DSP-related disorders in the literature. This variant has been identified in 1/251480 chromosomes in the general population by the Genome Aggregation Database (gnomAD). The available evidence is insufficient to determine the role of this variant in disease conclusively. Therefore, this variant is classified as a Variant of Uncertain Significance.